The following is an entry in ClinVar:

ClinVar aggregate classification (germline): Benign. Review status: criteria provided, multiple submitters, no conflicts (2 of 4 stars). 4 submissions from 4 submitters: Benign (4). Last evaluated 2021-07-15.

Conditions:
Spermatogenic failure 43. Identifiers: MedGen C5231490, MONDO:0032898, OMIM 618751.

Allele frequency attached by ClinVar (database versions not stated): gnomAD exomes 0.57010 and 0.60798; ESP Exome Variant Server 0.59573; gnomAD 0.59724 and 0.60184; ExAC 0.60606; TOPMed 0.61576; 1000 Genomes Project 0.67911; 1000 Genomes Project 30x 0.67911.
gnomAD v4.1: 925,286 of 1,613,278 alleles (57%); highest among the groups gnomAD compares: East Asian, 76%; 268,929 homozygotes.

Submissions (4):

Genome-Nilou Lab
Classification: Benign for Spermatogenic failure 43. Last evaluated: 2021-07-15. Review status: criteria provided, single submitter. Criteria: ACMG Guidelines, 2015. Collection method: clinical testing. Allele origin: germline. Affected: no.

GeneDx
Classification: Benign. Last evaluated: 2021-05-04. Review status: criteria provided, single submitter. Criteria: GeneDx Variant Classification Process June 2021. Collection method: clinical testing. Allele origin: germline. Affected: yes.

Laboratory for Molecular Medicine, Mass General Brigham Personalized Medicine
Classification: Benign. Last evaluated: 2016-03-29. Review status: criteria provided, single submitter. Criteria: LMM Criteria. Collection method: clinical testing. Allele origin: germline.
Comment: Variant identified in a genome or exome case(s) and assessed due to predicted null impact of the variant or pathogenic assertions in the literature or databases. Disclaimer: This variant has not undergone full assessment. The following are preliminary notes: Frequency

Breakthrough Genomics
Classification: Benign. Review status: criteria provided, single submitter. Criteria: ACMG Guidelines, 2015. Collection method: not provided. Allele origin: germline. Inheritance: Autosomal recessive inheritance. Affected: yes.

NM_024867.4(SPEF2):c.211A>C (p.Asn71His)

Gene: SPEF2 (sperm flagellar 2; plus strand). Cytogenetic location: 5p13.2.
Variant type: single nucleotide variant.
Coding change: c.211A>C on transcript NM_024867.4 (MANE Select); coding-DNA position 211, A replaced by C.
Protein change: p.Asn71His; replaces asparagine 71 with histidine.
Molecular consequence: missense variant.
Genome position (GRCh38, 1-based): chr5:35,641,480, A>C. VCF-style: chr5-35641480-A-C. GRCh37 (hg19) VCF-style: chr5-35641582-A-C.
Other names: c.211A>C, p.Asn71His (NM_144722.4); short protein forms N71H.
Identifiers: ClinVar variation 403471 (VCV000403471.8), dbSNP rs6897513, ClinGen allele CA3230100.